The following is an entry in ClinVar:

ClinVar aggregate classification (germline): Uncertain significance (1 of 4 stars; one submission).

Conditions:
Congenital myasthenic syndrome 9. Also called: Myasthenic syndrome, congenital, 9, associated with acetylcholine receptor deficiency. Identifiers: Orphanet 590, MedGen C4225368, MONDO:0014587, OMIM 616325.
Fetal akinesia deformation sequence 1 (FADS1). Also called: Fetal akinesia sequence; Pena-Shokeir syndrome type I. Identifiers: Orphanet 994, MedGen C1276035, MONDO:0100101, OMIM 208150, HP:0001989.

Allele frequency attached by ClinVar (database versions not stated): ExAC 0.00001; gnomAD 0.00001; gnomAD exomes 0.00001 and 0.00004; TOPMed 0.00002.
gnomAD v4.1: 59 of 1,613,842 alleles (0.0037%); highest among the groups gnomAD compares: Non-Finnish European, 0.0047%; no homozygotes.

Submission:

Labcorp Genetics (formerly Invitae), Labcorp
Classification: Uncertain significance for Congenital myasthenic syndrome 9; Fetal akinesia deformation sequence 1. Last evaluated: 2021-09-01. Review status: criteria provided, single submitter. Criteria: Invitae Variant Classification Sherloc (09022015). Collection method: clinical testing. Allele origin: germline.
Comment: This sequence change replaces arginine with cysteine at codon 778 of the MUSK protein (p.Arg778Cys). The arginine residue is highly conserved and there is a large physicochemical difference between arginine and cysteine. This variant is present in population databases (rs750833487, ExAC 0.001%). This variant has not been reported in the literature in individuals affected with MUSK-related conditions. Advanced modeling of protein sequence and biophysical properties (such as structural, functional, and spatial information, amino acid conservation, physicochemical variation, residue mobility, and thermodynamic stability) performed at Invitae indicates that this missense variant is expected to disrupt MUSK protein function. In summary, the available evidence is currently insufficient to determine the role of this variant in disease. Therefore, it has been classified as a Variant of Uncertain Significance.

NM_005592.4(MUSK):c.2332C>T (p.Arg778Cys)

Gene: MUSK (muscle associated receptor tyrosine kinase; plus strand). Cytogenetic location: 9q31.3.
Variant type: single nucleotide variant.
Coding change: c.2332C>T on transcript NM_005592.4 (MANE Select); coding-DNA position 2332, C replaced by T.
Protein change: p.Arg778Cys; replaces arginine 778 with cysteine.
Molecular consequence: missense variant.
Genome position (GRCh38, 1-based): chr9:110,800,710, C>T. VCF-style: chr9-110800710-C-T. GRCh37 (hg19) VCF-style: chr9-113562990-C-T.
Other names: c.2074C>T, p.Arg692Cys (NM_001166280.2); c.2044C>T, p.Arg682Cys (NM_001166281.2); c.1072C>T, p.Arg358Cys (NM_001369398.1); short protein forms R358C, R682C, R692C, R778C.
Identifiers: ClinVar variation 1021853 (VCV001021853.6), dbSNP rs750833487, ClinGen allele CA5184611.